The following is an entry in ClinVar:

NM_001367624.2(ZNF469):c.2113T>A (p.Phe705Ile)

Gene: ZNF469 (zinc finger protein 469; plus strand). Cytogenetic location: 16q24.2.
Variant type: single nucleotide variant.
Coding change: c.2113T>A on transcript NM_001367624.2 (MANE Select); coding-DNA position 2113, T replaced by A.
Protein change: p.Phe705Ile; replaces phenylalanine 705 with isoleucine.
Molecular consequence: missense variant.
Genome position (GRCh38, 1-based): chr16:88,429,583, T>A. VCF-style: chr16-88429583-T-A. GRCh37 (hg19) VCF-style: chr16-88495991-T-A.
Other names: NM_001127464.1:c.2113T>A; short protein forms F705I.
Identifiers: ClinVar variation 3821120 (VCV003821120.1).

ClinVar aggregate classification (germline): Uncertain significance (1 of 4 stars; one submission).

Conditions:
Cardiovascular phenotype. Identifiers: MedGen CN230736.

gnomAD v4.1: 1 of 1,549,760 alleles (0.000065%); highest among the groups gnomAD compares: South Asian, 0.0012%; no homozygotes.

Submission:

Ambry Genetics
Classification: Uncertain significance for Cardiovascular phenotype. Last evaluated: 2025-01-19. Review status: criteria provided, single submitter. Criteria: Ambry Variant Classification Scheme 2023. Collection method: clinical testing. Allele origin: germline.
Comment: The p.F705I variant (also known as c.2113T>A), located in coding exon 1 of the ZNF469 gene, results from a T to A substitution at nucleotide position 2113. The phenylalanine at codon 705 is replaced by isoleucine, an amino acid with highly similar properties. This amino acid position is conserved. In addition, this alteration is predicted to be tolerated by in silico analysis. Based on the available evidence, the clinical significance of this variant remains unclear.